The following is an entry in ClinVar:

NM_006648.4(WNK2):c.3424G>A (p.Asp1142Asn)

Gene: WNK2 (WNK lysine deficient protein kinase 2; plus strand). Cytogenetic location: 9q22.31.
Variant type: single nucleotide variant.
Coding change: c.3424G>A on transcript NM_006648.4 (MANE Select); coding-DNA position 3424, G replaced by A.
Protein change: p.Asp1142Asn; replaces aspartic acid 1142 with asparagine.
Molecular consequence: missense variant.
Genome position (GRCh38, 1-based): chr9:93,263,579, G>A. VCF-style: chr9-93263579-G-A. GRCh37 (hg19) VCF-style: chr9-96025861-G-A.
Other names: c.3424G>A, p.Asp1142Asn (NM_001282394.3); short protein forms D1142N.
Identifiers: ClinVar variation 3470597 (VCV003470597.1).

ClinVar aggregate classification (germline): Uncertain significance (1 of 4 stars; one submission).

gnomAD v4.1: 60 of 1,611,558 alleles (0.0037%); highest among the groups gnomAD compares: Non-Finnish European, 0.0046%; no homozygotes.

Submission:

Ambry Genetics
Classification: Uncertain significance. Last evaluated: 2024-12-06. Review status: criteria provided, single submitter. Criteria: Ambry Variant Classification Scheme 2023. Collection method: clinical testing. Allele origin: germline.
Comment: The p.D1142N variant (also known as c.3424G>A), located in coding exon 14 of the WNK2 gene, results from a G to A substitution at nucleotide position 3424. The aspartic acid at codon 1142 is replaced by asparagine, an amino acid with highly similar properties. This amino acid position is conserved. In addition, this alteration is predicted to be tolerated by in silico analysis. Based on the available evidence, the clinical significance of this variant remains unclear.